The following is an entry in ClinVar:

ClinVar aggregate classification (germline): Uncertain significance. Review status: criteria provided, multiple submitters, no conflicts (2 of 4 stars). 2 submissions from 2 submitters: Uncertain significance (2). Last evaluated 2025-05-17.

Conditions:
Inborn genetic diseases. Identifiers: MedGen C0950123, MeSH D030342.

Submissions (2):

Labcorp Genetics (formerly Invitae), Labcorp
Classification: Uncertain significance. Last evaluated: 2025-05-17. Review status: criteria provided, single submitter. Criteria: Invitae Variant Classification Sherloc (09022015). Collection method: clinical testing. Allele origin: germline.
Comment: This sequence change replaces glycine, which is neutral and non-polar, with glutamic acid, which is acidic and polar, at codon 464 of the COL4A1 protein (p.Gly464Glu). This variant is not present in population databases (gnomAD no frequency). This variant has not been reported in the literature in individuals affected with COL4A1-related conditions. ClinVar contains an entry for this variant (Variation ID: 2597430). Invitae Evidence Modeling of protein sequence and biophysical properties (such as structural, functional, and spatial information, amino acid conservation, physicochemical variation, residue mobility, and thermodynamic stability) indicates that this missense variant is expected to disrupt COL4A1 protein function with a positive predictive value of 95%. In summary, the available evidence is currently insufficient to determine the role of this variant in disease. Therefore, it has been classified as a Variant of Uncertain Significance.

Ambry Genetics
Classification: Uncertain significance for Inborn genetic diseases. Last evaluated: 2023-07-19. Review status: criteria provided, single submitter. Criteria: Ambry Variant Classification Scheme 2023. Collection method: clinical testing. Allele origin: germline.

NM_001845.6(COL4A1):c.1391G>A (p.Gly464Glu)

Gene: COL4A1 (collagen type IV alpha 1 chain; minus strand). Cytogenetic location: 13q34.
Variant type: single nucleotide variant.
Coding change: c.1391G>A on transcript NM_001845.6 (MANE Select); coding-DNA position 1391, G replaced by A.
Protein change: p.Gly464Glu; replaces glycine 464 with glutamic acid.
Molecular consequence: missense variant.
Genome position (GRCh38, 1-based): chr13:110,192,904, C>T on the plus strand (G>A on the coding strand, the complement: COL4A1 is on the minus strand). VCF-style: chr13-110192904-C-T. GRCh37 (hg19) VCF-style: chr13-110845251-C-T.
Other names: c.1391G>A, p.Gly464Glu (NM_001303110.2); short protein forms G464E.
Identifiers: ClinVar variation 2597430 (VCV002597430.5), dbSNP rs2501541203, ClinGen allele CA388723624.